The following is an entry in ClinVar:

NM_007294.4(BRCA1):c.2788C>A (p.Pro930Thr)

Gene: BRCA1 (BRCA1 DNA repair associated; minus strand). Cytogenetic location: 17q21.31.
Variant type: single nucleotide variant.
Coding change: c.2788C>A on transcript NM_007294.4 (MANE Select); coding-DNA position 2788, C replaced by A.
Protein change: p.Pro930Thr; replaces proline 930 with threonine.
Molecular consequence: missense variant. On other transcripts: intron variant (137).
Genome position (GRCh38, 1-based): chr17:43,092,743, G>T on the plus strand (C>A on the coding strand, the complement: BRCA1 is on the minus strand). VCF-style: chr17-43092743-G-T. GRCh37 (hg19) VCF-style: chr17-41244760-G-T.
Other names: c.2575C>A, p.Pro859Thr (NM_001407571.1, NM_001407853.1, NM_001407894.1 and 9 more transcripts); c.2788C>A, p.Pro930Thr (NM_001407581.1, NM_001407582.1, NM_001407583.1 and 30 more transcripts); c.2785C>A, p.Pro929Thr (NM_001407587.1, NM_001407590.1, NM_001407591.1 and 22 more transcripts); c.2779C>A, p.Pro927Thr (NM_001407646.1, NM_001407647.1); c.2665C>A, p.Pro889Thr (NM_001407648.1, NM_001407664.1, NM_001407665.1 and 19 more transcripts); c.2662C>A, p.Pro888Thr (NM_001407649.1, NM_001407670.1, NM_001407671.1 and 11 more transcripts); c.2710C>A, p.Pro904Thr (NM_001407653.1, NM_001407654.1, NM_001407655.1 and 4 more transcripts); c.2707C>A, p.Pro903Thr (NM_001407659.1, NM_001407660.1, NM_001407661.1 and 1 more transcripts); and 41 more; short protein forms P762T, P818T, P888T, P903T, P634T, P841T, P842T, P862T.
Identifiers: ClinVar variation 2885713 (VCV002885713.3), dbSNP rs2154359515, ClinGen allele CA10596418.

ClinVar aggregate classification (germline): Uncertain significance (1 of 4 stars; one submission).

Conditions:
Hereditary breast ovarian cancer syndrome. Also called: Breast and ovarian cancer; Hereditary breast and ovarian cancer; Hereditary breast and ovarian cancer syndrome (HBOC); Hereditary breast and/or ovarian cancer syndrome; Hereditary breast and ovarian cancer syndrome; BRCA1- and BRCA2-Associated Hereditary Breast and Ovarian Cancer. Identifiers: Orphanet 145, MedGen C0677776, MeSH D061325, MONDO:0003582. Disease mechanism: loss of function.

Submission:

Labcorp Genetics (formerly Invitae), Labcorp
Classification: Uncertain significance for Hereditary breast ovarian cancer syndrome. Last evaluated: 2023-11-10. Review status: criteria provided, single submitter. Criteria: Invitae Variant Classification Sherloc (09022015). Collection method: clinical testing. Allele origin: germline.
Comment: This sequence change replaces proline, which is neutral and non-polar, with threonine, which is neutral and polar, at codon 930 of the BRCA1 protein (p.Pro930Thr). This variant is not present in population databases (gnomAD no frequency). This variant has not been reported in the literature in individuals affected with BRCA1-related conditions. Advanced modeling of protein sequence and biophysical properties (such as structural, functional, and spatial information, amino acid conservation, physicochemical variation, residue mobility, and thermodynamic stability) performed at Invitae indicates that this missense variant is not expected to disrupt BRCA1 protein function with a negative predictive value of 95%. In summary, the available evidence is currently insufficient to determine the role of this variant in disease. Therefore, it has been classified as a Variant of Uncertain Significance.